The following is an entry in ClinVar:

ClinVar aggregate classification (germline): Uncertain significance (1 of 4 stars; one submission).

Conditions:
Hereditary spastic paraplegia. Also called: Familial spastic paraparesis. Identifiers: Orphanet 685, MedGen C0037773, MONDO:0019064. Disease mechanism: loss of function.

Allele frequency attached by ClinVar (database versions not stated): ExAC 0.00002; gnomAD 0.00003; gnomAD exomes 0.00003; TOPMed 0.00003.
gnomAD v4.1: 21 of 1,612,644 alleles (0.0013%); highest among the groups gnomAD compares: East Asian, 0.045%; no homozygotes.

Submission:

Labcorp Genetics (formerly Invitae), Labcorp
Classification: Uncertain significance for Hereditary spastic paraplegia. Last evaluated: 2022-11-04. Review status: criteria provided, single submitter. Criteria: Invitae Variant Classification Sherloc (09022015). Collection method: clinical testing. Allele origin: germline.
Comment: In summary, the available evidence is currently insufficient to determine the role of this variant in disease. Therefore, it has been classified as a Variant of Uncertain Significance. Algorithms developed to predict the effect of missense changes on protein structure and function are either unavailable or do not agree on the potential impact of this missense change (SIFT: "Tolerated"; PolyPhen-2: "Possibly Damaging"; Align-GVGD: "Class C0"). This variant has not been reported in the literature in individuals affected with USP8-related conditions. This variant is present in population databases (rs770957779, gnomAD 0.03%). This sequence change replaces serine, which is neutral and polar, with threonine, which is neutral and polar, at codon 1027 of the USP8 protein (p.Ser1027Thr).

NM_005154.5(USP8):c.3079T>A (p.Ser1027Thr)

Genes: USP50 (ubiquitin specific peptidase 50; minus strand), USP8 (ubiquitin specific peptidase 8; plus strand). Cytogenetic location: 15q21.2.
Variant type: single nucleotide variant.
Coding change: c.3079T>A on transcript NM_005154.5 (MANE Select); coding-DNA position 3079, T replaced by A.
Protein change: p.Ser1027Thr; replaces serine 1027 with threonine.
Molecular consequence: missense variant.
Genome position (GRCh38, 1-based): chr15:50,498,636, T>A. VCF-style: chr15-50498636-T-A. GRCh37 (hg19) VCF-style: chr15-50790833-T-A.
Other names: c.3079T>A, p.Ser1027Thr (NM_001128610.3); c.2761T>A, p.Ser921Thr (NM_001283049.2); short protein forms S1027T, S921T.
Identifiers: ClinVar variation 2720399 (VCV002720399.3), dbSNP rs770957779, ClinGen allele CA7556167.